The following is an entry in ClinVar:

NM_000038.6(APC):c.1724G>A (p.Cys575Tyr)

Gene: APC (APC regulator of Wnt signaling pathway; plus strand). Cytogenetic location: 5q22.2.
Variant type: single nucleotide variant.
Coding change: c.1724G>A on transcript NM_000038.6 (MANE Select); coding-DNA position 1724, G replaced by A.
Protein change: p.Cys575Tyr; replaces cysteine 575 with tyrosine.
Molecular consequence: missense variant.
Genome position (GRCh38, 1-based): chr5:112,828,953, G>A. VCF-style: chr5-112828953-G-A. GRCh37 (hg19) VCF-style: chr5-112164650-G-A.
Other names: c.875G>A, p.Cys292Tyr (NM_001407470.1, NM_001354906.2); c.572G>A, p.Cys191Tyr (NM_001407471.1, NM_001407472.1); c.1421G>A, p.Cys474Tyr (NM_001407459.1, NM_001407460.1, NM_001354903.2 and 1 more transcripts); c.1337G>A, p.Cys446Tyr (NM_001407467.1, NM_001407469.1); c.1724G>A, p.Cys575Tyr (NM_001127510.3, NM_001354895.2, NM_001407450.1); c.1670G>A, p.Cys557Tyr (NM_001127511.3); c.1778G>A, p.Cys593Tyr (NM_001354896.2, NM_001407447.1, NM_001407448.1 and 1 more transcripts); c.1754G>A, p.Cys585Tyr (NM_001354897.2); and 11 more; short protein forms C292Y, C449Y, C492Y, C534Y, C593Y, C603Y, C474Y, C516Y.
Identifiers: ClinVar variation 4837933 (VCV004837933.1).

ClinVar aggregate classification (germline): Uncertain significance (1 of 4 stars; one submission).

Conditions:
Hereditary cancer-predisposing syndrome. Also called: Neoplastic Syndromes, Hereditary; Tumor predisposition; Hereditary Cancer Syndrome; Hereditary neoplastic syndrome. Identifiers: Orphanet 140162, MedGen C0027672, MeSH D009386, MONDO:0015356.

Submission:

Ambry Genetics
Classification: Uncertain significance for Hereditary cancer-predisposing syndrome. Last evaluated: 2025-12-15. Review status: criteria provided, single submitter. Criteria: Ambry Variant Classification Scheme 2023. Collection method: clinical testing. Allele origin: germline.
Comment: The p.C575Y variant (also known as c.1724G>A), located in coding exon 13 of the APC gene, results from a G to A substitution at nucleotide position 1724. The cysteine at codon 575 is replaced by tyrosine, an amino acid with highly dissimilar properties. This amino acid position is conserved. In addition, in silico predictors for this gene do not accurately predict pathogenicity. Based on the available evidence, the clinical significance of this variant remains unclear.